The following is an entry in ClinVar:

ClinVar aggregate classification (germline): Pathogenic. Review status: criteria provided, multiple submitters, no conflicts (2 of 4 stars). 6 submissions from 5 submitters: Pathogenic (5). 1 of the submissions does not count toward it. Last evaluated 2025-03-17.

Conditions:
HGSNAT-related disorders.
Mucopolysaccharidosis, MPS-III-C (MPS3C). Also called: mucopolysaccharidosis type 3C; MPS III C; Mucopolysaccharidosis type IIIC (Sanfilippo C); MUCOPOLYSACCHARIDOSIS, TYPE IIIC; SANFILIPPO SYNDROME C; MPS IIIC (Sanfilippo Syndrome Type C). Identifiers: Orphanet 581, Orphanet 79271, MedGen C0086649, MONDO:0009657, OMIM 252930.
Retinitis pigmentosa 73 (RP73). Identifiers: Orphanet 791, MedGen C4225287, MONDO:0014687, OMIM 616544.

Allele frequency attached by ClinVar (database versions not stated): TOPMed below 0.00001; ExAC 0.00001; gnomAD exomes 0.00003 and 0.00001.

Submissions (6):

Labcorp Genetics (formerly Invitae), Labcorp
Classification: Pathogenic for Retinitis pigmentosa 73; Mucopolysaccharidosis, MPS-III-C. Last evaluated: 2025-03-17. Review status: criteria provided, single submitter. Criteria: Invitae Variant Classification Sherloc (09022015). Collection method: clinical testing. Allele origin: germline.
Comment: This sequence change creates a premature translational stop signal (p.Asp449Glyfs*21) in the HGSNAT gene. It is expected to result in an absent or disrupted protein product. Loss-of-function variants in HGSNAT are known to be pathogenic (PMID: 17033958, 19479962, 25859010). This variant is present in population databases (rs483352894, gnomAD 0.0009%). This premature translational stop signal has been observed in individual(s) with mucopolysaccharidosis type IIIC (PMID: 16960811, 19479962, 31228227). In at least one individual the data is consistent with being in trans (on the opposite chromosome) from a pathogenic variant. ClinVar contains an entry for this variant (Variation ID: 1231). For these reasons, this variant has been classified as Pathogenic.

Natera, Inc.
Classification: Pathogenic for Mucopolysaccharidosis type IIIC. Last evaluated: 2024-05-06. Review status: criteria provided, single submitter. Criteria: Natera Variant Classification Schema (03/2026). Collection method: clinical testing. Allele origin: germline.
Comment: The c.1345dupG variant in HGSNAT is a frameshift variant predicted to shift the reading frame beginning at codon 449 and leads to a stop codon 21 codons downstream. This variant is expected to result in nonsense mediated decay, truncation, or a dysfunctional protein product. This variant is rare in the general population with a frequency below the threshold expected for the associated phenotype(s). This variant has been observed in one or more individuals affected with the associated recessive disease, as either homozygous or compound heterozygous with a second variant (PMID: 31228227, 16960811). Given the available evidence, this variant is classified as Pathogenic.

Blueprint Genetics
Classification: Pathogenic for HGSNAT-related disorders. Last evaluated: 2019-12-16. Review status: criteria provided, single submitter. Criteria: ACMG Guidelines, 2015. Collection method: clinical testing. Allele origin: germline. Affected: yes. Observed: 1 variant allele.

Genomic Research Center, Shahid Beheshti University of Medical Sciences
Classification: Pathogenic for Mucopolysaccharidosis, MPS-III-C. Last evaluated: 2018-03-05. Review status: criteria provided, single submitter. Criteria: ACMG Guidelines, 2015. Collection method: clinical testing. Allele origin: inherited. Affected: yes. Observed: 1 variant allele.

Genomic Research Center, Shahid Beheshti University of Medical Sciences
Classification: Pathogenic for Retinitis pigmentosa 73. Last evaluated: 2018-03-05. Review status: criteria provided, single submitter. Criteria: ACMG Guidelines, 2015. Collection method: clinical testing. Allele origin: inherited. Affected: yes. Observed: 1 variant allele.

OMIM
Classification: Pathogenic for MUCOPOLYSACCHARIDOSIS, TYPE IIIC. Last evaluated: 2006-10-01. Review status: no assertion criteria provided. Collection method: literature only. Allele origin: germline. Not counted in ClinVar's aggregate classification.

Literature cited by the submitters: PubMed 17033958 (cited by Labcorp Genetics (formerly Invitae), Labcorp); PubMed 19479962 (cited by Labcorp Genetics (formerly Invitae), Labcorp); PubMed 25859010 (cited by Labcorp Genetics (formerly Invitae), Labcorp); PubMed 16960811 (cited by 3 submitters); PubMed 31228227 (cited by Labcorp Genetics (formerly Invitae), Labcorp and Natera, Inc.).

NM_152419.3(HGSNAT):c.1345dup (p.Asp449fs)

Gene: HGSNAT (heparan-alpha-glucosaminide N-acetyltransferase; plus strand). Cytogenetic location: 8p11.21.
Variant type: Duplication.
Coding change: c.1345dup on transcript NM_152419.3 (MANE Select); coding-DNA position 1345, one base duplicated (G; older notation c.1345dupG).
Protein change: p.Asp449fs; shifts the reading frame from aspartic acid 449.
Molecular consequence: frameshift variant.
Genome position (GRCh38, 1-based): chr8:43,192,398, G duplicated. VCF-style (leftmost placement, unchanged base first): chr8-43192397-A-AG. GRCh37 (hg19) VCF-style: chr8-43047540-A-AG.
Other names: c.1345dup, p.Asp449fs (NM_001363227.2); c.1153dup, p.Asp385fs (NM_001363228.2); c.481dup, p.Asp161fs (NM_001363229.2); short protein forms D161fs, D449fs, D385fs.
Identifiers: ClinVar variation 1231 (VCV000001231.19), dbSNP rs483352894, ClinGen allele CA114862.